The following is an entry in ClinVar:

NM_015404.4(WHRN):c.1577G>C (p.Gly526Ala)

Gene: WHRN (whirlin; minus strand). Cytogenetic location: 9q32.
Variant type: single nucleotide variant.
Coding change: c.1577G>C on transcript NM_015404.4 (MANE Select); coding-DNA position 1577, G replaced by C.
Protein change: p.Gly526Ala; replaces glycine 526 with alanine.
Molecular consequence: missense variant.
Genome position (GRCh38, 1-based): chr9:114,423,363, C>G on the plus strand (G>C on the coding strand, the complement: WHRN is on the minus strand). VCF-style: chr9-114423363-C-G. GRCh37 (hg19) VCF-style: chr9-117185643-C-G.
Other names: c.428G>C, p.Gly143Ala (NM_001083885.3); c.1577G>C, p.Gly526Ala (NM_001173425.2); c.524G>C, p.Gly175Ala (NM_001346890.1); short protein forms G143A, G175A, G526A.
Identifiers: ClinVar variation 2578149 (VCV002578149.1), dbSNP rs2491759237, ClinGen allele CA374606994.

ClinVar aggregate classification (germline): Uncertain significance (1 of 4 stars; one submission).

Submission:

GeneDx
Classification: Uncertain significance. Last evaluated: 2023-03-02. Review status: criteria provided, single submitter. Criteria: GeneDx Variant Classification Process June 2021. Collection method: clinical testing. Allele origin: germline. Affected: yes.
Comment: Not observed at significant frequency in large population cohorts (gnomAD); In silico analysis supports that this missense variant does not alter protein structure/function; Has not been previously published as pathogenic or benign to our knowledge